The following is an entry in ClinVar:

NM_015978.3(TNNI3K):c.1984G>A (p.Glu662Lys)

Genes: FPGT-TNNI3K (FPGT-TNNI3K readthrough; plus strand), TNNI3K (TNNI3 interacting kinase; plus strand). Cytogenetic location: 1p31.1.
Variant type: single nucleotide variant.
Coding change: c.1984G>A on transcript NM_015978.3 (MANE Select); coding-DNA position 1984, G replaced by A.
Protein change: p.Glu662Lys; replaces glutamic acid 662 with lysine.
Molecular consequence: missense variant.
Genome position (GRCh38, 1-based): chr1:74,439,595, G>A. VCF-style: chr1-74439595-G-A. GRCh37 (hg19) VCF-style: chr1-74905279-G-A.
Other names: c.2287G>A, p.Glu763Lys (NM_001112808.3, NM_001199327.2); short protein forms E763K, E662K.
Identifiers: ClinVar variation 1352055 (VCV001352055.8), dbSNP rs747300364, ClinGen allele CA909526.

ClinVar aggregate classification (germline): Uncertain significance (1 of 4 stars; one submission).

Allele frequency attached by ClinVar (database versions not stated): TOPMed 0.00001; ExAC 0.00002; gnomAD 0.00002; gnomAD exomes 0.00002 and 0.00003.
gnomAD v4.1: 40 of 1,613,244 alleles (0.0025%); highest among the groups gnomAD compares: East Asian, 0.02%; no homozygotes.

Submission:

Labcorp Genetics (formerly Invitae), Labcorp
Classification: Uncertain significance. Last evaluated: 2025-09-23. Review status: criteria provided, single submitter. Criteria: Invitae Variant Classification Sherloc (09022015). Collection method: clinical testing. Allele origin: germline.
Comment: This sequence change replaces glutamic acid, which is acidic and polar, with lysine, which is basic and polar, at codon 662 of the TNNI3K protein (p.Glu662Lys). This variant is present in population databases (rs747300364, gnomAD 0.007%). This variant has not been reported in the literature in individuals affected with TNNI3K-related conditions. ClinVar contains an entry for this variant (Variation ID: 1352055). An algorithm developed to predict the effect of missense changes on protein structure and function outputs the following: PolyPhen-2: "Benign". The lysine amino acid residue is found in multiple mammalian species, which suggests that this missense change does not adversely affect protein function. In summary, the available evidence is currently insufficient to determine the role of this variant in disease. Therefore, it has been classified as a Variant of Uncertain Significance.